The following is an entry in ClinVar:

NM_002768.5(CHMP1A):c.28-14C>T

Gene: CHMP1A (charged multivesicular body protein 1A; minus strand). Cytogenetic location: 16q24.3.
Variant type: single nucleotide variant.
Coding change: c.28-14C>T on transcript NM_002768.5 (MANE Select); 14 bases into the intron before coding-DNA position 28, C replaced by T.
Molecular consequence: intron variant.
Genome position (GRCh38, 1-based): chr16:89,651,660, G>A on the plus strand (C>T on the coding strand, the complement: CHMP1A is on the minus strand). VCF-style: chr16-89651660-G-A. GRCh37 (hg19) VCF-style: chr16-89718068-G-A.
Other names: c.8-14C>T (NM_001083314.4, NM_001083314.3).
Identifiers: ClinVar variation 1013113 (VCV001013113.44), dbSNP rs200605916, ClinGen allele CA8247197.
Genomic context (GRCh38, chr16:89,651,660, plus strand): 5'-TCCTTCTCCGCCTTCTTGGCCAGCTTCTCCAGCTGCTTCGCCGTGAACTGAGCGGAAGCC[G>A]GAATGTCCTGGGTCAGACATGCGGAGCCCATCCCCCAGGCCCGGCTCTCCACACCCCCAC-3'

ClinVar aggregate classification (germline): Likely benign. Review status: criteria provided, multiple submitters, no conflicts (2 of 4 stars). 3 submissions from 3 submitters: Likely benign (2). 1 of the submissions does not count toward it. Last evaluated 2026-02-02.

Conditions:
CHMP1A-related disorder. Also called: CHMP1A-related condition.

Allele frequency attached by ClinVar (database versions not stated): gnomAD exomes 0.00019 and 0.00026; TOPMed 0.00026; ExAC 0.00027; 1000 Genomes Project 30x 0.00031; gnomAD 0.00033 and 0.00034; 1000 Genomes Project 0.00040.

Submissions (3):

Labcorp Genetics (formerly Invitae), Labcorp
Classification: Likely benign. Last evaluated: 2026-02-02. Review status: criteria provided, single submitter. Criteria: Invitae Variant Classification Sherloc (09022015). Collection method: clinical testing. Allele origin: germline.

CeGaT Center for Human Genetics Tuebingen
Classification: Likely benign. Last evaluated: 2020-12-01. Review status: criteria provided, single submitter. Criteria: CeGaT Center For Human Genetics Tuebingen Variant Classification Criteria Version 2. Collection method: clinical testing. Allele origin: germline. Affected: yes. Observed: 1 variant allele.

PreventionGenetics, part of Exact Sciences
Classification: Likely benign for CHMP1A-related condition. Last evaluated: 2019-07-09. Review status: no assertion criteria provided. Collection method: clinical testing. Allele origin: germline. Not counted in ClinVar's aggregate classification.
Comment: This variant is classified as likely benign based on ACMG/AMP sequence variant interpretation guidelines (Richards et al. 2015 PMID: 25741868, with internal and published modifications).